The following is an entry in ClinVar:

NM_002474.3(MYH11):c.5083-15C>T

Genes: NDE1 (nudE neurodevelopment protein 1; plus strand), MYH11 (myosin heavy chain 11; minus strand). Cytogenetic location: 16p13.11.
Variant type: single nucleotide variant.
Coding change: c.5083-15C>T on transcript NM_002474.3 (MANE Select); 15 bases into the intron before coding-DNA position 5083, C replaced by T.
Molecular consequence: intron variant.
Genome position (GRCh38, 1-based): chr16:15,719,323, G>A on the plus strand (C>T on the coding strand, the complement: MYH11 is on the minus strand). VCF-style: chr16-15719323-G-A. GRCh37 (hg19) VCF-style: chr16-15813180-G-A.
Other names: c.948-4868G>A (NM_001143979.2, NM_017668.3); c.5083-15C>T (NM_022844.3); c.5104-15C>T (NM_001040114.2, NM_001040113.2).
Identifiers: ClinVar variation 3069728 (VCV003069728.1), dbSNP rs2506104530, ClinGen allele CA2575922681.

ClinVar aggregate classification (germline): Likely benign (1 of 4 stars; one submission).

Conditions:
Familial thoracic aortic aneurysm and aortic dissection (TAAD). Also called: Thoracic aortic aneurysms and dissections. Identifiers: Orphanet 91387, MedGen C4707243, MONDO:0019625.

Submission:

All of Us Research Program, National Institutes of Health
Classification: Likely benign for Familial thoracic aortic aneurysm and aortic dissection. Last evaluated: 2023-02-24. Review status: criteria provided, single submitter. Criteria: ACMG Guidelines, 2015. Collection method: clinical testing. Allele origin: germline. Inheritance: Autosomal dominant inheritance. Observed: 1 variant allele, 1 heterozygote.
Comment: This study involves interpretation of variants in research participants for the purpose of population health screening. Participant phenotype was not available at the time of variant classification. Additional details can be found in publication PMID: 35346344, PMCID: PMC8962531